The following is an entry in ClinVar:

ClinVar aggregate classification (germline): Uncertain significance. Review status: criteria provided, multiple submitters, no conflicts (2 of 4 stars). 3 submissions from 3 submitters: Uncertain significance (3). Last evaluated 2026-01-13.

Conditions:
Hereditary cancer-predisposing syndrome. Also called: Tumor predisposition; Neoplastic Syndromes, Hereditary; Hereditary Cancer Syndrome; Hereditary neoplastic syndrome. Identifiers: Orphanet 140162, MedGen C0027672, MeSH D009386, MONDO:0015356.

Allele frequency attached by ClinVar (database versions not stated): gnomAD below 0.00001 and 0.00001; gnomAD exomes 0.00002 and 0.00003; ExAC 0.00004.
gnomAD v4.1: 22 of 1,586,882 alleles (0.0014%); highest among the groups gnomAD compares: South Asian, 0.025%; no homozygotes.

Submissions (3):

Ambry Genetics
Classification: Uncertain significance for Hereditary cancer-predisposing syndrome. Last evaluated: 2026-01-13. Review status: criteria provided, single submitter. Criteria: Ambry Variant Classification Scheme 2023. Collection method: clinical testing. Allele origin: germline.
Comment: The c.1020+5G>A intronic variant results from a G to A substitution 5 nucleotides after coding exon 10 in the POLE gene. This nucleotide position is not well conserved in available vertebrate species. In silico splice site analysis predicts that this alteration may result in the creation or strengthening of a novel splice donor site. Based on the available evidence, the clinical significance of this variant remains unclear.

Quest Diagnostics Nichols Institute San Juan Capistrano
Classification: Uncertain significance. Last evaluated: 2025-02-25. Review status: criteria provided, single submitter. Criteria: Quest Diagnostics criteria. Collection method: clinical testing. Allele origin: unknown.
Comment: The POLE c.1020+5G>A variant has not been reported in individuals with POLE-related conditions in the published literature. The frequency of this variant in the general population (Genome Aggregation Database) is higher than would generally be expected for pathogenic variants in this gene. Analysis of this variant using software algorithms for the prediction of the effect of nucleotide changes on POLE mRNA splicing yielded inconclusive findings. Based on the available information, we are unable to determine the clinical significance of this variant.

Molecular Diagnostics Laboratory, Catalan Institute of Oncology
Classification: Uncertain significance for Hereditary cancer-predisposing syndrome. Last evaluated: 2025-02-02. Review status: criteria provided, single submitter. Criteria: Submitter's publication. Collection method: clinical testing. Allele origin: germline.
Comment: BS1 POLE c.1020+5G>A is an intronic variant located close to a canonical splice site.This variant is found in 7/29334 alleles at a frequency of 0.024% in the gnomAD v2.1.1 database, South Asian non-cancer dataset (BS1). The SpliceAI algorithm results in a non-informative deltascore (0.41) for the effect of this variant on splicing. To our knowledge, neither relevant clinical data nor well-established functional studies have been reported for this variant. The variant is present in ClinVar database (1x Uncertain significance) but is not present in LOVD database. Based on currently available information, the variant c.1020+5G>A is classified as an uncertain significance variant according to ACMG guidelines.

NM_006231.4(POLE):c.1020+5G>A

Gene: POLE (DNA polymerase epsilon, catalytic subunit; minus strand). Cytogenetic location: 12q24.33.
Variant type: single nucleotide variant.
Coding change: c.1020+5G>A on transcript NM_006231.4 (MANE Select); 5 bases into the intron after coding-DNA position 1020, G replaced by A.
Molecular consequence: intron variant.
Genome position (GRCh38, 1-based): chr12:132,676,089, C>T on the plus strand (G>A on the coding strand, the complement: POLE is on the minus strand). VCF-style: chr12-132676089-C-T. GRCh37 (hg19) VCF-style: chr12-133252675-C-T.
Other names: c.1020+5G>A (NM_006231.3).
Identifiers: ClinVar variation 818278 (VCV000818278.7), dbSNP rs751162799, ClinGen allele CA6894119.